The following is an entry in ClinVar:

NM_182961.4(SYNE1):c.7133T>C (p.Leu2378Pro)

Gene: SYNE1 (spectrin repeat containing nuclear envelope protein 1; minus strand). Cytogenetic location: 6q25.2.
Variant type: single nucleotide variant.
Coding change: c.7133T>C on transcript NM_182961.4 (MANE Select); coding-DNA position 7133, T replaced by C.
Protein change: p.Leu2378Pro; replaces leucine 2378 with proline.
Molecular consequence: missense variant.
Genome position (GRCh38, 1-based): chr6:152,399,720, A>G on the plus strand (T>C on the coding strand, the complement: SYNE1 is on the minus strand). VCF-style: chr6-152399720-A-G. GRCh37 (hg19) VCF-style: chr6-152720855-A-G.
Other names: c.7154T>C, p.Leu2385Pro (NM_033071.5); short protein forms L2378P, L2385P.
Identifiers: ClinVar variation 2632280 (VCV002632280.1), dbSNP rs1416146042, ClinGen allele CA366117949.

ClinVar aggregate classification (germline): Uncertain significance (1 of 4 stars; one submission).

Conditions:
SYNE1-related disorder. Also called: SYNE1-related disease; SYNE1-related condition; SYNE1-related disorders.

Allele frequency attached by ClinVar (database versions not stated): gnomAD 0.00001.
gnomAD v4.1: 1 of 1,614,020 alleles (0.000062%); highest among the groups gnomAD compares: South Asian, 0.0011%; no homozygotes.

Submission:

PreventionGenetics, part of Exact Sciences
Classification: Uncertain significance for SYNE1-related condition. Last evaluated: 2023-06-23. Review status: criteria provided, single submitter. Criteria: ACMG Guidelines, 2015. Collection method: clinical testing. Allele origin: germline.
Comment: The SYNE1 c.7154T>C variant is predicted to result in the amino acid substitution p.Leu2385Pro. To our knowledge, this variant has not been reported in the literature. This variant is reported in 0.0033% of alleles in individuals of South Asian descent in gnomAD. At this time, the clinical significance of this variant is uncertain due to the absence of conclusive functional and genetic evidence.